The following is an entry in ClinVar:

NM_001267727.2(ARSG):c.638C>A (p.Pro213Gln)

Gene: ARSG (arylsulfatase G; plus strand). Cytogenetic location: 17q24.2.
Variant type: single nucleotide variant.
Coding change: c.638C>A on transcript NM_001267727.2 (MANE Select); coding-DNA position 638, C replaced by A.
Protein change: p.Pro213Gln; replaces proline 213 with glutamine.
Molecular consequence: missense variant.
Genome position (GRCh38, 1-based): chr17:68,356,738, C>A. VCF-style: chr17-68356738-C-A. GRCh37 (hg19) VCF-style: chr17-66352879-C-A.
Other names: c.638C>A, p.Pro213Gln (NM_001352899.2, NM_001352900.2, NM_001352901.2 and 8 more transcripts); c.590C>A, p.Pro197Gln (NM_001352909.2); short protein forms P197Q, P213Q.
Identifiers: ClinVar variation 4149674 (VCV004149674.3).

ClinVar aggregate classification (germline): Uncertain significance. Review status: criteria provided, multiple submitters, no conflicts (2 of 4 stars). 3 submissions from 3 submitters: Uncertain significance (3). Last evaluated 2025-08-27.

Submissions (3):

Ambry Genetics
Classification: Uncertain significance. Last evaluated: 2025-08-27. Review status: criteria provided, single submitter. Criteria: Ambry Variant Classification Scheme 2023. Collection method: clinical testing. Allele origin: germline.

Labcorp Genetics (formerly Invitae), Labcorp
Classification: Uncertain significance. Last evaluated: 2025-04-04. Review status: criteria provided, single submitter. Criteria: Invitae Variant Classification Sherloc (09022015). Collection method: clinical testing. Allele origin: germline.
Comment: This sequence change replaces proline, which is neutral and non-polar, with glutamine, which is neutral and polar, at codon 213 of the ARSG protein (p.Pro213Gln). This variant is not present in population databases (gnomAD no frequency). This variant has not been reported in the literature in individuals affected with ARSG-related conditions. Invitae Evidence Modeling of protein sequence and biophysical properties (such as structural, functional, and spatial information, amino acid conservation, physicochemical variation, residue mobility, and thermodynamic stability) indicates that this missense variant is expected to disrupt ARSG protein function with a positive predictive value of 80%. In summary, the available evidence is currently insufficient to determine the role of this variant in disease. Therefore, it has been classified as a Variant of Uncertain Significance.

Blueprint Genetics
Classification: Uncertain significance. Last evaluated: 2023-01-12. Review status: criteria provided, single submitter. Criteria: ACMG Guidelines, 2015. Collection method: clinical testing. Allele origin: germline.